The following is an entry in ClinVar:

ClinVar aggregate classification (germline): Uncertain significance. Review status: criteria provided, multiple submitters, no conflicts (2 of 4 stars). 2 submissions from 2 submitters: Uncertain significance (2). Last evaluated 2024-05-09.

Conditions:
DNAH9-related disorder. Also called: DNAH9-related condition.

Allele frequency attached by ClinVar (database versions not stated): ESP Exome Variant Server 0.00008.
gnomAD v4.1: 120 of 1,612,822 alleles (0.0074%); highest among the groups gnomAD compares: Non-Finnish European, 0.0098%; no homozygotes.

Submissions (2):

Labcorp Genetics (formerly Invitae), Labcorp
Classification: Uncertain significance. Last evaluated: 2024-05-09. Review status: criteria provided, single submitter. Criteria: Invitae Variant Classification Sherloc (09022015). Collection method: clinical testing. Allele origin: germline.
Comment: This sequence change replaces alanine, which is neutral and non-polar, with serine, which is neutral and polar, at codon 1795 of the DNAH9 protein (p.Ala1795Ser). This variant is present in population databases (rs201657301, gnomAD 0.006%). This variant has not been reported in the literature in individuals affected with DNAH9-related conditions. ClinVar contains an entry for this variant (Variation ID: 2634591). Advanced modeling of protein sequence and biophysical properties (such as structural, functional, and spatial information, amino acid conservation, physicochemical variation, residue mobility, and thermodynamic stability) performed at Invitae indicates that this missense variant is not expected to disrupt DNAH9 protein function with a negative predictive value of 80%. In summary, the available evidence is currently insufficient to determine the role of this variant in disease. Therefore, it has been classified as a Variant of Uncertain Significance.

PreventionGenetics, part of Exact Sciences
Classification: Uncertain significance for DNAH9-related condition. Last evaluated: 2023-09-29. Review status: criteria provided, single submitter. Criteria: ACMG Guidelines, 2015. Collection method: clinical testing. Allele origin: germline.
Comment: The DNAH9 c.5383G>T variant is predicted to result in the amino acid substitution p.Ala1795Ser. To our knowledge, this variant has not been reported in the literature. This variant is reported in 0.0062% of alleles in individuals of European (Non-Finnish) descent in gnomAD. At this time, the clinical significance of this variant is uncertain due to the absence of conclusive functional and genetic evidence.

NM_001372.4(DNAH9):c.5383G>T (p.Ala1795Ser)

Gene: DNAH9 (dynein axonemal heavy chain 9; plus strand). Cytogenetic location: 17p12.
Variant type: single nucleotide variant.
Coding change: c.5383G>T on transcript NM_001372.4 (MANE Select); coding-DNA position 5383, G replaced by T.
Protein change: p.Ala1795Ser; replaces alanine 1795 with serine.
Molecular consequence: missense variant.
Genome position (GRCh38, 1-based): chr17:11,704,434, G>T. VCF-style: chr17-11704434-G-T. GRCh37 (hg19) VCF-style: chr17-11607751-G-T.
Other names: short protein forms A1795S.
Identifiers: ClinVar variation 2634591 (VCV002634591.2), dbSNP rs201657301, ClinGen allele CA8395982.